The following is an entry in ClinVar:

ClinVar aggregate classification (germline): Uncertain significance (1 of 4 stars; one submission).

Allele frequency attached by ClinVar (database versions not stated): gnomAD exomes below 0.00001.

Submission:

ARUP Laboratories, Molecular Genetics and Genomics, ARUP Laboratories
Classification: Uncertain significance. Last evaluated: 2020-05-27. Review status: criteria provided, single submitter. Criteria: ARUP Molecular Germline Variant Investigation Process. Collection method: clinical testing. Allele origin: germline.
Comment: The ICK c.1058C>T; p.Ala353Val variant, to our knowledge, is not reported in the medical literature or gene specific databases. This variant is also absent from general population databases (Exome Variant Server, Genome Aggregation Database), indicating it is not a common polymorphism. The alanine at codon 353 is weakly conserved, and computational analyses (SIFT, PolyPhen-2) predict that this variant is tolerated. Due to limited information, the clinical significance of the p.Ala353Val variant is uncertain at this time.

NM_014920.5(CILK1):c.1058C>T (p.Ala353Val)

Gene: CILK1 (ciliogenesis associated kinase 1; minus strand). Cytogenetic location: 6p12.1.
Variant type: single nucleotide variant.
Coding change: c.1058C>T on transcript NM_014920.5 (MANE Select); coding-DNA position 1058, C replaced by T.
Protein change: p.Ala353Val; replaces alanine 353 with valine.
Molecular consequence: missense variant. On other transcripts: non-coding transcript variant (1).
Genome position (GRCh38, 1-based): chr6:53,013,756, G>A on the plus strand (C>T on the coding strand, the complement: CILK1 is on the minus strand). VCF-style: chr6-53013756-G-A. GRCh37 (hg19) VCF-style: chr6-52878554-G-A.
Other names: c.1058C>T, p.Ala353Val (NM_001375397.1, NM_001375398.1, NM_001375399.1 and 4 more transcripts); short protein forms A353V.
Identifiers: ClinVar variation 995709 (VCV000995709.8), dbSNP rs1764726771, ClinGen allele CA364468738.
Genomic context (GRCh38, chr6:53,013,756, plus strand): 5'-AGCAACGGGCTTGGCTTGTCCTCCTGGAGATGGCTTGGGTGATCTGTCCTGGAGACCTCT[G>A]CTTTGTAGGGGTACGTGAGATGCAGAGGGGGCTGGCTGGCTTGATGCTGTCGTGAAGAAA-3'
Protein context (NP_055735.1, residues 343-363): PPLHLTYPYK[Ala353Val]EVSRTDHPSH